The following is an entry in ClinVar:

ClinVar aggregate classification (germline): Uncertain significance. Review status: criteria provided, multiple submitters, no conflicts (2 of 4 stars). 2 submissions from 2 submitters: Uncertain significance (2). Last evaluated 2024-10-21.

Conditions:
Inborn genetic diseases. Identifiers: MedGen C0950123, MeSH D030342.

Allele frequency attached by ClinVar (database versions not stated): TOPMed 0.00014; ExAC 0.00016; ESP Exome Variant Server 0.00038; gnomAD 0.00014; gnomAD exomes 0.00022.
gnomAD v4.1: 347 of 1,614,092 alleles (0.021%); highest among the groups gnomAD compares: Non-Finnish European, 0.027%; no homozygotes.

Submissions (2):

Ambry Genetics
Classification: Uncertain significance for Inborn genetic diseases. Last evaluated: 2024-10-21. Review status: criteria provided, single submitter. Criteria: Ambry Variant Classification Scheme 2023. Collection method: clinical testing. Allele origin: germline.

GeneDx
Classification: Uncertain significance. Last evaluated: 2024-10-16. Review status: criteria provided, single submitter. Criteria: GeneDx Variant Classification Process June 2021. Collection method: clinical testing. Allele origin: germline.
Comment: In silico analysis supports that this missense variant has a deleterious effect on protein structure/function; Has not been previously published as pathogenic or benign to our knowledge

NM_182548.4(LHFPL5):c.59G>A (p.Arg20Gln)

Gene: LHFPL5 (LHFPL tetraspan subfamily member 5; plus strand). Cytogenetic location: 6p21.31.
Variant type: single nucleotide variant.
Coding change: c.59G>A on transcript NM_182548.4 (MANE Select); coding-DNA position 59, G replaced by A.
Protein change: p.Arg20Gln; replaces arginine 20 with glutamine.
Molecular consequence: missense variant.
Genome position (GRCh38, 1-based): chr6:35,805,729, G>A. VCF-style: chr6-35805729-G-A. GRCh37 (hg19) VCF-style: chr6-35773506-G-A.
Other names: short protein forms R20Q.
Identifiers: ClinVar variation 2401879 (VCV002401879.5), dbSNP rs138322541, ClinGen allele CA3774328.